The following is an entry in ClinVar:

ClinVar aggregate classification (germline): Benign/Likely benign. Review status: criteria provided, multiple submitters, no conflicts (2 of 4 stars). 2 submissions from 2 submitters: Benign (1); Likely benign (1). Last evaluated 2026-05-21.

Conditions:
Neurofibromatosis, type 1 (NF1). Also called: VON RECKLINGHAUSEN DISEASE; NEUROFIBROMATOSIS, TYPE I, SOMATIC; Peripheral type neurofibromatosis; Neurofibromatosis, type I. Identifiers: Orphanet 636, MedGen C0027831, MONDO:0018975, OMIM 162200. Disease mechanism: loss of function.

Submissions (2):

Myriad Genetics, Inc.
Classification: Benign for Neurofibromatosis, type 1. Last evaluated: 2026-05-21. Review status: criteria provided, single submitter. Criteria: Myriad Autosomal Dominant, Autosomal Recessive and X-Linked Classification Criteria (2023). Collection method: clinical testing. Allele origin: unknown.
Comment: This variant is considered benign. This variant is a silent/synonymous amino acid change and it is not expected to impact splicing.

CeGaT Center for Human Genetics Tuebingen
Classification: Likely benign. Last evaluated: 2025-08-01. Review status: criteria provided, single submitter. Criteria: CeGaT Center For Human Genetics Tuebingen Variant Classification Criteria Version 2. Collection method: clinical testing. Allele origin: germline. Affected: yes. Observed: 1 variant allele.
Comment: NF1: PM2:Supporting, BP4, BP7

NM_001042492.3(NF1):c.6604T>C (p.Leu2202=)

Gene: NF1 (neurofibromin 1; plus strand). Cytogenetic location: 17q11.2.
Variant type: single nucleotide variant.
Coding change: c.6604T>C on transcript NM_001042492.3 (MANE Select); coding-DNA position 6604, T replaced by C.
Protein change: p.Leu2202=; no amino-acid change (leucine 2202 retained).
Molecular consequence: synonymous variant.
Genome position (GRCh38, 1-based): chr17:31,337,544, T>C. VCF-style: chr17-31337544-T-C. GRCh37 (hg19) VCF-style: chr17-29664562-T-C.
Other names: c.6541T>C, p.Leu2181= (NM_000267.4).
Identifiers: ClinVar variation 4085776 (VCV004085776.8).